The following is an entry in ClinVar:

NM_181703.4(GJA5):c.352C>G (p.Arg118Gly)

Gene: GJA5 (gap junction protein alpha 5; minus strand). Cytogenetic location: 1q21.2.
Variant type: single nucleotide variant.
Coding change: c.352C>G on transcript NM_181703.4 (MANE Select); coding-DNA position 352, C replaced by G.
Protein change: p.Arg118Gly; replaces arginine 118 with glycine.
Molecular consequence: missense variant.
Genome position (GRCh38, 1-based): chr1:147,758,887, G>C on the plus strand (C>G on the coding strand, the complement: GJA5 is on the minus strand). VCF-style: chr1-147758887-G-C. GRCh37 (hg19) VCF-style: chr1-147230995-G-C.
Other names: c.352C>G, p.Arg118Gly (NM_005266.7); short protein forms R118G.
Identifiers: ClinVar variation 2939620 (VCV002939620.3), dbSNP rs1553227026, ClinGen allele CA342396753.

ClinVar aggregate classification (germline): Uncertain significance (1 of 4 stars; one submission).

Conditions:
Atrial fibrillation, familial, 11 (ATFB11). Identifiers: MedGen C3279693, MONDO:0013544, OMIM 614049.
Atrial standstill 1 (ATRST1). Also called: ATRIAL CARDIOMYOPATHY WITH HEART BLOCK; CARDIOMYOPATHY, FAMILIAL, WITH CONDUCTION DISTURBANCE; Atrial standstill, digenic (GJA5/SCN5A). Identifiers: Orphanet 1344, MedGen C4551959, MONDO:0007171, OMIM 108770.

gnomAD v4.1: 1 of 1,614,222 alleles (0.000062%); highest among the groups gnomAD compares: African/African-American, 0.0013%; no homozygotes.

Submission:

Labcorp Genetics (formerly Invitae), Labcorp
Classification: Uncertain significance for Atrial fibrillation, familial, 11; Atrial standstill 1. Last evaluated: 2023-05-31. Review status: criteria provided, single submitter. Criteria: Invitae Variant Classification Sherloc (09022015). Collection method: clinical testing. Allele origin: germline.
Comment: This sequence change replaces arginine, which is basic and polar, with glycine, which is neutral and non-polar, at codon 118 of the GJA5 protein (p.Arg118Gly). This variant is not present in population databases (gnomAD no frequency). This variant has not been reported in the literature in individuals affected with GJA5-related conditions. Advanced modeling of protein sequence and biophysical properties (such as structural, functional, and spatial information, amino acid conservation, physicochemical variation, residue mobility, and thermodynamic stability) performed at Invitae indicates that this missense variant is not expected to disrupt GJA5 protein function. In summary, the available evidence is currently insufficient to determine the role of this variant in disease. Therefore, it has been classified as a Variant of Uncertain Significance.